The following is an entry in ClinVar:

ClinVar aggregate classification (germline): Uncertain significance (1 of 4 stars; one submission).

Submission:

Ambry Genetics
Classification: Uncertain significance. Last evaluated: 2024-04-01. Review status: criteria provided, single submitter. Criteria: Ambry Variant Classification Scheme 2023. Collection method: clinical testing. Allele origin: germline.
Comment: The p.M1178I variant (also known as c.3534G>C), located in coding exon 31 of the KIF1B gene, results from a G to C substitution at nucleotide position 3534. The methionine at codon 1178 is replaced by isoleucine, an amino acid with highly similar properties. This amino acid position is conserved. In addition, the in silico prediction for this alteration is inconclusive. Since supporting evidence is limited at this time, the clinical significance of this alteration remains unclear.

NM_001365951.3(KIF1B):c.3672G>C (p.Met1224Ile)

Gene: KIF1B (kinesin family member 1B; plus strand). Cytogenetic location: 1p36.22.
Variant type: single nucleotide variant.
Coding change: c.3672G>C on transcript NM_001365951.3 (MANE Select); coding-DNA position 3672, G replaced by C.
Protein change: p.Met1224Ile; replaces methionine 1224 with isoleucine.
Molecular consequence: missense variant.
Genome position (GRCh38, 1-based): chr1:10,343,271, G>C. VCF-style: chr1-10343271-G-C. GRCh37 (hg19) VCF-style: chr1-10403329-G-C.
Other names: c.3672G>C, p.Met1224Ile (NM_001365952.1); c.3534G>C, p.Met1178Ile (NM_015074.3); short protein forms M1178I, M1224I.
Identifiers: ClinVar variation 1732391 (VCV001732391.3), dbSNP rs2521760615, ClinGen allele CA338342139.